The following is an entry in ClinVar:

NM_012471.3(TRPC5):c.288G>A (p.Val96=)

Gene: TRPC5 (transient receptor potential cation channel subfamily C member 5; minus strand). Cytogenetic location: Xq23.
Variant type: single nucleotide variant.
Coding change: c.288G>A on transcript NM_012471.3 (MANE Select); coding-DNA position 288, G replaced by A.
Protein change: p.Val96=; no amino-acid change (valine 96 retained).
Molecular consequence: synonymous variant.
Genome position (GRCh38, 1-based): chrX:111,952,133, C>T on the plus strand (G>A on the coding strand, the complement: TRPC5 is on the minus strand). VCF-style: chrX-111952133-C-T. GRCh37 (hg19) VCF-style: chrX-111195361-C-T.
Other names: NC_000023.10:g.111195361C>T.
Identifiers: ClinVar variation 4465060 (VCV004465060.2).

ClinVar aggregate classification (germline): Likely benign (1 of 4 stars; one submission).

Conditions:
TRPC5-related disorder. Also called: TRPC5-related condition.

gnomAD v4.1: 4 of 1,210,866 alleles (0.00033%); highest among the groups gnomAD compares: African/African-American, 0.007%; no homozygotes.

Submissions (3):

PreventionGenetics, part of Exact Sciences
Classification: Likely benign for TRPC5-related condition. Last evaluated: 2025-04-02. Review status: criteria provided, single submitter. Criteria: ACMG Guidelines, 2015. Collection method: clinical testing. Allele origin: germline.
Comment: This variant is classified as likely benign based on ACMG/AMP sequence variant interpretation guidelines (Richards et al. 2015 PMID: 25741868, with internal and published modifications).

Dr. Peter K. Rogan Lab, Western University
No classification provided (evidence only). Condition: Thyroid cancer, nonmedullary, 1. Review status: no classification provided. Collection method: in vitro. Allele origin: not applicable. Functional consequence: retained intron. Not counted in ClinVar's aggregate classification.

Dr. Peter K. Rogan Lab, Western University
No classification provided (evidence only). Condition: Nonpapillary renal cell carcinoma. Review status: no classification provided. Collection method: in vitro. Allele origin: not applicable. Functional consequence: retained intron. Not counted in ClinVar's aggregate classification.